The following is an entry in ClinVar:

ClinVar aggregate classification (germline): Likely benign. Review status: criteria provided, single submitter (1 of 4 stars). 2 submissions from 2 submitters: Likely benign (1). 1 of the submissions does not count toward it. Last evaluated 2022-12-03.

Conditions:
SGPL1-related disorder. Also called: SGPL1-related condition. Identifiers: MedGen CN380158.

Allele frequency attached by ClinVar (database versions not stated): gnomAD exomes below 0.00001; gnomAD 0.00001; ExAC 0.00002; 1000 Genomes Project 30x 0.00031; 1000 Genomes Project 0.00040.
gnomAD v4.1: 5 of 1,613,086 alleles (0.00031%); highest among the groups gnomAD compares: South Asian, 0.0055%; no homozygotes.

Submissions (2):

Labcorp Genetics (formerly Invitae), Labcorp
Classification: Likely benign. Last evaluated: 2022-12-03. Review status: criteria provided, single submitter. Criteria: Invitae Variant Classification Sherloc (09022015). Collection method: clinical testing. Allele origin: germline.

PreventionGenetics, part of Exact Sciences
Classification: Likely benign for SGPL1-related condition. Last evaluated: 2024-03-20. Review status: no assertion criteria provided. Collection method: clinical testing. Allele origin: germline. Not counted in ClinVar's aggregate classification.
Comment: This variant is classified as likely benign based on ACMG/AMP sequence variant interpretation guidelines (Richards et al. 2015 PMID: 25741868, with internal and published modifications).

NM_003901.4(SGPL1):c.699A>G (p.Pro233=)

Gene: SGPL1 (sphingosine-1-phosphate lyase 1; plus strand). Cytogenetic location: 10q22.1.
Variant type: single nucleotide variant.
Coding change: c.699A>G on transcript NM_003901.4 (MANE Select); coding-DNA position 699, A replaced by G.
Protein change: p.Pro233=; no amino-acid change (proline 233 retained).
Molecular consequence: synonymous variant.
Genome position (GRCh38, 1-based): chr10:70,868,428, A>G. VCF-style: chr10-70868428-A-G. GRCh37 (hg19) VCF-style: chr10-72628185-A-G.
Other names: c.699A>G (NM_003901.3).
Identifiers: ClinVar variation 2995675 (VCV002995675.4), dbSNP rs558416811, ClinGen allele CA5541263.